The following is an entry in ClinVar:

ClinVar aggregate classification (germline): Uncertain significance (1 of 4 stars; one submission).

Conditions:
Familial thoracic aortic aneurysm and aortic dissection (TAAD). Also called: Thoracic aortic aneurysms and dissections. Identifiers: Orphanet 91387, MedGen C4707243, MONDO:0019625.

gnomAD v4.1: 6 of 1,611,766 alleles (0.00037%); highest among the groups gnomAD compares: Admixed American, 0.0033%; no homozygotes.

Submission:

Ambry Genetics
Classification: Uncertain significance for Familial thoracic aortic aneurysm and aortic dissection. Last evaluated: 2025-07-15. Review status: criteria provided, single submitter. Criteria: Ambry Variant Classification Scheme 2023. Collection method: clinical testing. Allele origin: germline.
Comment: The p.P96A variant (also known as c.286C>G), located in coding exon 3 of the NOTCH1 gene, results from a C to G substitution at nucleotide position 286. The proline at codon 96 is replaced by alanine, an amino acid with highly similar properties. This amino acid position is conserved. In addition, this alteration is predicted to be tolerated by in silico analysis. Based on the available evidence, the clinical significance of this variant remains unclear.

NM_017617.5(NOTCH1):c.286C>G (p.Pro96Ala)

Gene: NOTCH1 (notch receptor 1; minus strand). Cytogenetic location: 9q34.3.
Variant type: single nucleotide variant.
Coding change: c.286C>G on transcript NM_017617.5 (MANE Select); coding-DNA position 286, C replaced by G.
Protein change: p.Pro96Ala; replaces proline 96 with alanine.
Molecular consequence: missense variant.
Genome position (GRCh38, 1-based): chr9:136,523,834, G>C on the plus strand (C>G on the coding strand, the complement: NOTCH1 is on the minus strand). VCF-style: chr9-136523834-G-C. GRCh37 (hg19) VCF-style: chr9-139418286-G-C.
Other names: short protein forms P96A.
Identifiers: ClinVar variation 4121654 (VCV004121654.1).